The following is an entry in ClinVar:

ClinVar aggregate classification (germline): Uncertain significance. Review status: criteria provided, multiple submitters, no conflicts (2 of 4 stars). 2 submissions from 2 submitters: Uncertain significance (2). Last evaluated 2025-11-11.

Conditions:
Autosomal dominant hypocalcemia 1 (HYPOC1). Also called: HYPOCALCEMIA, FAMILIAL. Identifiers: MedGen C3715128, MONDO:0011013, OMIM 601198.
Familial hypocalciuric hypercalcemia (FHH). Also called: Familial benign hypercalcemia. Identifiers: Orphanet 405, MedGen C1809471, MONDO:0018458.

Allele frequency attached by ClinVar (database versions not stated): gnomAD exomes below 0.00001 and 0.00001; ExAC 0.00001.
gnomAD v4.1: 3 of 1,613,836 alleles (0.00019%); highest among the groups gnomAD compares: Non-Finnish European, 0.00025%; no homozygotes.

Submissions (2):

Labcorp Genetics (formerly Invitae), Labcorp
Classification: Uncertain significance for Familial hypocalciuric hypercalcemia; Autosomal dominant hypocalcemia 1. Last evaluated: 2025-11-11. Review status: criteria provided, single submitter. Criteria: Invitae Variant Classification Sherloc (09022015). Collection method: clinical testing. Allele origin: germline.
Comment: This sequence change replaces threonine, which is neutral and polar, with methionine, which is neutral and non-polar, at codon 92 of the CASR protein (p.Thr92Met). This variant is present in population databases (rs764023058, gnomAD 0.0009%). This variant has not been reported in the literature in individuals affected with CASR-related conditions. ClinVar contains an entry for this variant (Variation ID: 645213). An algorithm developed to predict the effect of missense changes on protein structure and function (PolyPhen-2) suggests that this variant is likely to be disruptive. In summary, the available evidence is currently insufficient to determine the role of this variant in disease. Therefore, it has been classified as a Variant of Uncertain Significance.

Blueprint Genetics
Classification: Uncertain significance. Last evaluated: 2022-01-05. Review status: criteria provided, single submitter. Criteria: ACMG Guidelines, 2015. Collection method: clinical testing. Allele origin: germline.

NM_000388.4(CASR):c.275C>T (p.Thr92Met)

Gene: CASR (calcium sensing receptor; plus strand). Cytogenetic location: 3q21.1.
Variant type: single nucleotide variant.
Coding change: c.275C>T on transcript NM_000388.4 (MANE Select); coding-DNA position 275, C replaced by T.
Protein change: p.Thr92Met; replaces threonine 92 with methionine.
Molecular consequence: missense variant.
Genome position (GRCh38, 1-based): chr3:122,257,170, C>T. VCF-style: chr3-122257170-C-T. GRCh37 (hg19) VCF-style: chr3-121976017-C-T.
Other names: c.275C>T, p.Thr92Met (NM_001178065.2); short protein forms T92M.
Identifiers: ClinVar variation 645213 (VCV000645213.10), dbSNP rs764023058, ClinGen allele CA2569453.
Genomic context (GRCh38, chr3:122,257,170, plus strand): 5'-AGGCTATGATATTTGCCATAGAGGAGATAAACAGCAGCCCAGCCCTTCTTCCCAACTTGA[C>T]GCTGGGATACAGGATATTTGACACTTGCAACACCGTTTCTAAGGCCTTGGAAGCCACCCT-3'
Protein context (NP_000379.3, residues 82-102): NSSPALLPNL[Thr92Met]LGYRIFDTCN